The following is an entry in ClinVar:

ClinVar aggregate classification (germline): Uncertain significance (1 of 4 stars; one submission).

gnomAD v4.1: 2 of 1,613,008 alleles (0.00012%); highest among the groups gnomAD compares: Non-Finnish European, 0.00017%; no homozygotes.

Submission:

Labcorp Genetics (formerly Invitae), Labcorp
Classification: Uncertain significance. Last evaluated: 2022-03-29. Review status: criteria provided, single submitter. Criteria: Invitae Variant Classification Sherloc (09022015). Collection method: clinical testing. Allele origin: germline.
Comment: In summary, the available evidence is currently insufficient to determine the role of this variant in disease. Therefore, it has been classified as a Variant of Uncertain Significance. Advanced modeling of protein sequence and biophysical properties (such as structural, functional, and spatial information, amino acid conservation, physicochemical variation, residue mobility, and thermodynamic stability) performed at Invitae indicates that this missense variant is not expected to disrupt LRP2 protein function. This variant has not been reported in the literature in individuals affected with LRP2-related conditions. This variant is not present in population databases (gnomAD no frequency). This sequence change replaces arginine, which is basic and polar, with leucine, which is neutral and non-polar, at codon 2820 of the LRP2 protein (p.Arg2820Leu).

NM_004525.3(LRP2):c.8459G>T (p.Arg2820Leu)

Gene: LRP2 (LDL receptor related protein 2; minus strand). Cytogenetic location: 2q31.1.
Variant type: single nucleotide variant.
Coding change: c.8459G>T on transcript NM_004525.3 (MANE Select); coding-DNA position 8459, G replaced by T.
Protein change: p.Arg2820Leu; replaces arginine 2820 with leucine.
Molecular consequence: missense variant.
Genome position (GRCh38, 1-based): chr2:169,198,905, C>A on the plus strand (G>T on the coding strand, the complement: LRP2 is on the minus strand). VCF-style: chr2-169198905-C-A. GRCh37 (hg19) VCF-style: chr2-170055415-C-A.
Other names: short protein forms R2820L.
Identifiers: ClinVar variation 2119160 (VCV002119160.4), dbSNP rs149781950, ClinGen allele CA349164073.
Genomic context (GRCh38, chr2:169,198,905, plus strand): 5'-TAAACGCGAGGAATACAAATATTTGAATTATGACATTTTGTGTATCCAGACTGGCAAGTG[C>A]GATCAGCTTGAAAAAGACAACCAGATAAATATTAGGAATATATCCACCAAATATGTATTA-3'
Protein context (NP_004516.2, residues 2810-2830): NTSDEKNCPD[Arg2820Leu]TCQSGYTKCH